The following is an entry in ClinVar:

ClinVar aggregate classification (germline): Likely benign (1 of 4 stars; one submission).

Conditions:
FGFR2-related disorder. Identifiers: MedGen CN380096.

gnomAD v4.1: 9 of 1,613,580 alleles (0.00056%); highest among the groups gnomAD compares: Non-Finnish European, 0.00076%; no homozygotes.

Submission:

PreventionGenetics, part of Exact Sciences
Classification: Likely benign for FGFR2-related condition. Last evaluated: 2025-11-22. Review status: criteria provided, single submitter. Criteria: ACMG Guidelines, 2015. Collection method: clinical testing. Allele origin: germline.
Comment: This variant is classified as likely benign based on ACMG/AMP sequence variant interpretation guidelines (Richards et al. 2015 PMID: 25741868, with internal and published modifications).

NM_000141.5(FGFR2):c.455-8C>T

Gene: FGFR2 (fibroblast growth factor receptor 2; minus strand). Cytogenetic location: 10q26.13.
Variant type: single nucleotide variant.
Coding change: c.455-8C>T on transcript NM_000141.5 (MANE Select); 8 bases into the intron before coding-DNA position 455, C replaced by T.
Molecular consequence: intron variant.
Genome position (GRCh38, 1-based): chr10:121,551,467, G>A on the plus strand (C>T on the coding strand, the complement: FGFR2 is on the minus strand). VCF-style: chr10-121551467-G-A. GRCh37 (hg19) VCF-style: chr10-123310981-G-A.
Other names: c.455-8C>T (NM_001144914.1, NM_001144917.2, NM_001320658.2 and 3 more transcripts); c.110-8C>T (NM_001144918.2, NM_001441091.1, NM_001441090.1 and 1 more transcripts); c.188-8C>T (NM_001441089.1, NM_023029.3, NM_001441088.1 and 2 more transcripts).
Identifiers: ClinVar variation 4988688 (VCV004988688.1).